The following is an entry in ClinVar:

NM_033004.4(NLRP1):c.2743G>A (p.Ala915Thr)

Gene: NLRP1 (NLR family pyrin domain containing 1; minus strand). Cytogenetic location: 17p13.2.
Variant type: single nucleotide variant.
Coding change: c.2743G>A on transcript NM_033004.4 (MANE Select); coding-DNA position 2743, G replaced by A.
Protein change: p.Ala915Thr; replaces alanine 915 with threonine.
Molecular consequence: missense variant.
Genome position (GRCh38, 1-based): chr17:5,539,542, C>T on the plus strand (G>A on the coding strand, the complement: NLRP1 is on the minus strand). VCF-style: chr17-5539542-C-T. GRCh37 (hg19) VCF-style: chr17-5442862-C-T.
Other names: c.2743G>A, p.Ala915Thr (NM_001033053.3, NM_014922.5, NM_033006.4 and 1 more transcripts); short protein forms A915T.
Identifiers: ClinVar variation 1400876 (VCV001400876.7), dbSNP rs148522172, ClinGen allele CA8327065.

ClinVar aggregate classification (germline): Conflicting classifications of pathogenicity. Review status: criteria provided, conflicting classifications (1 of 4 stars). 2 submissions from 2 submitters: Uncertain significance (1); Likely benign (1). Last evaluated 2026-04-13.

Allele frequency attached by ClinVar (database versions not stated): gnomAD exomes 0.00003 and 0.00011; ExAC 0.00011; gnomAD 0.00011 and 0.00012; TOPMed 0.00011; ESP Exome Variant Server 0.00015; 1000 Genomes Project 0.00020; 1000 Genomes Project 30x 0.00031.
gnomAD v4.1: 81 of 1,613,732 alleles (0.005%); highest among the groups gnomAD compares: East Asian, 0.082%; 1 homozygote.

Submissions (2):

Women's Health and Genetics/Laboratory Corporation of America, LabCorp
Classification: Likely benign. Last evaluated: 2026-04-13. Review status: criteria provided, single submitter. Criteria: LabCorp Variant Classification Summary - May 2015. Collection method: clinical testing. Allele origin: germline.
Comment: Variant summary: NLRP1 c.2743G>A (p.Ala915Thr) results in a non-conservative amino acid change in the encoded protein sequence. Algorithms developed to predict the effect of missense changes on protein structure and function are either unavailable or do not agree on the potential impact of this missense change. The variant allele was found at a frequency of 0.00011 in 249660 control chromosomes, predominantly at a frequency of 0.0013 within the East Asian subpopulation in the gnomAD database. The observed variant frequency within East Asian control individuals in the gnomAD database exceeds the estimated maximal expected allele frequency for disease-causing variants in NLRP1. To our knowledge, no occurrence of c.2743G>A in individuals affected with NLRP1-related conditions and no experimental evidence demonstrating its impact on protein function have been reported. ClinVar contains an entry for this variant (Variation ID: 1400876). Based on the evidence outlined above, the variant was classified as likely benign.

Labcorp Genetics (formerly Invitae), Labcorp
Classification: Uncertain significance. Last evaluated: 2026-01-25. Review status: criteria provided, single submitter. Criteria: Invitae Variant Classification Sherloc (09022015). Collection method: clinical testing. Allele origin: germline.
Comment: This sequence change replaces alanine, which is neutral and non-polar, with threonine, which is neutral and polar, at codon 915 of the NLRP1 protein (p.Ala915Thr). This variant is present in population databases (rs148522172, gnomAD 0.1%). This variant has not been reported in the literature in individuals affected with NLRP1-related conditions. ClinVar contains an entry for this variant (Variation ID: 1400876). An algorithm developed to predict the effect of missense changes on protein structure and function (PolyPhen-2) suggests that this variant is likely to be disruptive. In summary, the available evidence is currently insufficient to determine the role of this variant in disease. Therefore, it has been classified as a Variant of Uncertain Significance.